The following is an entry in ClinVar:

NM_014629.4(ARHGEF10):c.1376C>T (p.Ala459Val)

Gene: ARHGEF10 (Rho guanine nucleotide exchange factor 10; plus strand). Cytogenetic location: 8p23.3.
Variant type: single nucleotide variant.
Coding change: c.1376C>T on transcript NM_014629.4 (MANE Select); coding-DNA position 1376, C replaced by T.
Protein change: p.Ala459Val; replaces alanine 459 with valine.
Molecular consequence: missense variant.
Genome position (GRCh38, 1-based): chr8:1,894,508, C>T. VCF-style: chr8-1894508-C-T. GRCh37 (hg19) VCF-style: chr8-1842674-C-T.
Other names: c.1262C>T, p.Ala421Val (NM_001308152.2, NM_001438092.1, NM_001438094.1); c.1379C>T, p.Ala460Val (NM_001308153.3, NM_001438091.1); c.1259C>T, p.Ala420Val (NM_001438093.1); short protein forms A460V, A484V, A420V, A421V, A459V.
Identifiers: ClinVar variation 4748714 (VCV004748714.1).

ClinVar aggregate classification (germline): Uncertain significance (1 of 4 stars; one submission).

gnomAD v4.1: 34 of 1,614,068 alleles (0.0021%); highest among the groups gnomAD compares: African/African-American, 0.013%; no homozygotes.

Submission:

Labcorp Genetics (formerly Invitae), Labcorp
Classification: Uncertain significance. Last evaluated: 2025-06-11. Review status: criteria provided, single submitter. Criteria: Invitae Variant Classification Sherloc (09022015). Collection method: clinical testing. Allele origin: germline.
Comment: This sequence change replaces alanine, which is neutral and non-polar, with valine, which is neutral and non-polar, at codon 459 of the ARHGEF10 protein (p.Ala459Val). This variant is present in population databases (rs144726787, gnomAD 0.02%). This variant has not been reported in the literature in individuals affected with ARHGEF10-related conditions. Invitae Evidence Modeling of protein sequence and biophysical properties (such as structural, functional, and spatial information, amino acid conservation, physicochemical variation, residue mobility, and thermodynamic stability) indicates that this missense variant is expected to disrupt ARHGEF10 protein function with a positive predictive value of 80%. In summary, the available evidence is currently insufficient to determine the role of this variant in disease. Therefore, it has been classified as a Variant of Uncertain Significance.